The following is an entry in ClinVar:

ClinVar aggregate classification (germline): Likely pathogenic. Review status: criteria provided, multiple submitters, no conflicts (2 of 4 stars). 3 submissions from 3 submitters: Likely pathogenic (3). Last evaluated 2025-11-06.

Conditions:
Retinitis pigmentosa (RP). Identifiers: Orphanet 791, MedGen C0035334, MeSH D012174, MONDO:0019200, OMIM 268000. Inheritance: Autosomal dominant, autosomal recessive and X linked inheritance.
ABCA4-related disorder. Also called: ABCA4-related condition; ABCA4-related disorders. Identifiers: MedGen CN239167.

Submissions (3):

Women's Health and Genetics/Laboratory Corporation of America, LabCorp
Classification: Likely pathogenic for Retinitis pigmentosa. Last evaluated: 2025-11-06. Review status: criteria provided, single submitter. Criteria: LabCorp Variant Classification Summary - May 2015. Collection method: clinical testing. Allele origin: germline.
Comment: Variant summary: ABCA4 c.5435T>A (p.Ile1812Asn) results in a non-conservative amino acid change in the encoded protein sequence. Algorithms developed to predict the effect of missense changes on protein structure and function all suggest that this variant is likely to be disruptive. The variant allele was found at a frequency of 1.2e-05 in 251484 control chromosomes. c.5435T>A has been observed in individuals affected with Retinitis Pigmentosa/ABCA4-related retinopathy (e.g. Sung_2020, Wang_2022). These data indicate that the variant may be associated with disease. At least one publication reports experimental evidence evaluating an impact on protein function and found the variant resulted in <10% of normal protein expression in vitro, suggesting it may result in an unstable protein (Xu_2023). The following publications have been ascertained in the context of this evaluation (PMID: 33261146, 35608843, 36931393). No submitters have cited clinical-significance assessments for this variant to ClinVar. Based on the evidence outlined above, the variant was classified as likely pathogenic.

Labcorp Genetics (formerly Invitae), Labcorp
Classification: Likely pathogenic. Last evaluated: 2025-08-14. Review status: criteria provided, single submitter. Criteria: Invitae Variant Classification Sherloc (09022015). Collection method: clinical testing. Allele origin: germline.
Comment: This sequence change replaces isoleucine, which is neutral and non-polar, with asparagine, which is neutral and polar, at codon 1812 of the ABCA4 protein (p.Ile1812Asn). This variant is present in population databases (rs774018249, gnomAD 0.02%). This missense change has been observed in individuals with retinitis pigmentosa (PMID: 33261146; internal data). Invitae Evidence Modeling of protein sequence and biophysical properties (such as structural, functional, and spatial information, amino acid conservation, physicochemical variation, residue mobility, and thermodynamic stability) indicates that this missense variant is expected to disrupt ABCA4 protein function with a positive predictive value of 95%. In summary, the currently available evidence indicates that the variant is pathogenic, but additional data are needed to prove that conclusively. Therefore, this variant has been classified as Likely Pathogenic.

Blueprint Genetics
Classification: Likely pathogenic for ABCA4-related disorders. Last evaluated: 2020-04-07. Review status: criteria provided, single submitter. Criteria: ACMG Guidelines, 2015. Collection method: clinical testing. Allele origin: germline. Affected: yes. Observed: 2 variant alleles.

Literature cited by the submitters: PubMed 33261146 (cited by Women's Health and Genetics/Laboratory Corporation of America, LabCorp and Labcorp Genetics (formerly Invitae), Labcorp); PubMed 35608843 (cited by Women's Health and Genetics/Laboratory Corporation of America, LabCorp); PubMed 36931393 (cited by Women's Health and Genetics/Laboratory Corporation of America, LabCorp).

NM_000350.3(ABCA4):c.5435T>A (p.Ile1812Asn)

Gene: ABCA4 (ATP binding cassette subfamily A member 4; minus strand). Cytogenetic location: 1p22.1.
Variant type: single nucleotide variant.
Coding change: c.5435T>A on transcript NM_000350.3 (MANE Select); coding-DNA position 5435, T replaced by A.
Protein change: p.Ile1812Asn; replaces isoleucine 1812 with asparagine.
Molecular consequence: missense variant.
Genome position (GRCh38, 1-based): chr1:94,014,568, A>T on the plus strand (T>A on the coding strand, the complement: ABCA4 is on the minus strand). VCF-style: chr1-94014568-A-T. GRCh37 (hg19) VCF-style: chr1-94480124-A-T.
Other names: c.5213T>A, p.Ile1738Asn (NM_001425324.1); short protein forms I1738N, I1812N.
Identifiers: ClinVar variation 4536993 (VCV004536993.3).
Genomic context (GRCh38, chr1:94,014,568, plus strand): 5'-TAATCAAACAAAAAAGCCAAGAAAGTTATGCTCACCCGGTTATTCTCAAATAATTCCAAG[A>T]TGAAGGTAATAGCACTGCTGTTGATGCCGATGAACAGATTAGCACAAGATAAAGCCACAT-3'
Protein context (NP_000341.2, residues 1802-1822): IGINSSAITF[Ile1812Asn]LELFENNRTL